The following is an entry in ClinVar:

ClinVar aggregate classification (germline): Benign/Likely benign. Review status: criteria provided, multiple submitters, no conflicts (2 of 4 stars). 3 submissions from 3 submitters: Benign (1); Likely benign (2). Last evaluated 2025-08-12.

Conditions:
Melanoma-pancreatic cancer syndrome. Identifiers: Orphanet 404560, MedGen C1838547, MONDO:0011713, OMIM 606719. Disease mechanism: loss of function.
Familial melanoma. Also called: Hereditary melanoma; Hereditary cutaneous melanoma. Identifiers: Orphanet 618, MedGen C1512419, MONDO:0018961.
Hereditary cancer-predisposing syndrome. Also called: Neoplastic Syndromes, Hereditary; Tumor predisposition; Hereditary Cancer Syndrome; Hereditary neoplastic syndrome. Identifiers: Orphanet 140162, MedGen C0027672, MeSH D009386, MONDO:0015356.

Allele frequency attached by ClinVar (database versions not stated): gnomAD exomes below 0.00001.

Submissions (3):

Myriad Genetics, Inc.
Classification: Benign for Melanoma-pancreatic cancer syndrome. Last evaluated: 2025-08-12. Review status: criteria provided, single submitter. Criteria: Myriad Autosomal Dominant, Autosomal Recessive and X-Linked Classification Criteria (2023). Collection method: clinical testing. Allele origin: unknown.
Comment: This variant is considered benign. This variant is a silent/synonymous amino acid change and it is not expected to impact splicing.

Labcorp Genetics (formerly Invitae), Labcorp
Classification: Likely benign for Familial melanoma. Last evaluated: 2021-05-20. Review status: criteria provided, single submitter. Criteria: Invitae Variant Classification Sherloc (09022015). Collection method: clinical testing. Allele origin: germline.

Ambry Genetics
Classification: Likely benign for Hereditary cancer-predisposing syndrome. Last evaluated: 2020-04-19. Review status: criteria provided, single submitter. Criteria: Ambry Variant Classification Scheme 2023. Collection method: clinical testing. Allele origin: germline.

NM_058195.4(CDKN2A):c.111A>G (p.Pro37=)

Gene: CDKN2A (cyclin dependent kinase inhibitor 2A; minus strand). Cytogenetic location: 9p21.3.
Variant type: single nucleotide variant.
Coding change: c.111A>G on transcript NM_058195.4 (MANE Plus Clinical); coding-DNA position 111, A replaced by G.
Protein change: p.Pro37=; no amino-acid change (proline 37 retained).
Molecular consequence: synonymous variant. On other transcripts: intron variant (1).
Genome position (GRCh38, 1-based): chr9:21,994,221, T>C on the plus strand (A>G on the coding strand, the complement: CDKN2A is on the minus strand). VCF-style: chr9-21994221-T-C. GRCh37 (hg19) VCF-style: chr9-21994220-T-C.
Other names: c.-4+600A>G (NM_001363763.2).
Identifiers: ClinVar variation 1086368 (VCV001086368.8), dbSNP rs1039977006, ClinGen allele CA190745887.